The following is an entry in ClinVar:

ClinVar aggregate classification (germline): Uncertain significance (1 of 4 stars; one submission).

Conditions:
Koolen-de Vries syndrome (KDVS). Identifiers: Orphanet 96169, MedGen C1864871, MONDO:0012496, OMIM 610443.

Allele frequency attached by ClinVar (database versions not stated): gnomAD exomes below 0.00001.
gnomAD v4.1: 1 of 1,613,978 alleles (0.000062%); highest among the groups gnomAD compares: East Asian, 0.0022%; no homozygotes.

Submission:

Labcorp Genetics (formerly Invitae), Labcorp
Classification: Uncertain significance for Koolen-de Vries syndrome. Last evaluated: 2022-07-06. Review status: criteria provided, single submitter. Criteria: Invitae Variant Classification Sherloc (09022015). Collection method: clinical testing. Allele origin: germline.
Comment: This sequence change replaces valine, which is neutral and non-polar, with isoleucine, which is neutral and non-polar, at codon 727 of the KANSL1 protein (p.Val727Ile). This variant is not present in population databases (gnomAD no frequency). This variant has not been reported in the literature in individuals affected with KANSL1-related conditions. Algorithms developed to predict the effect of missense changes on protein structure and function (SIFT, PolyPhen-2, Align-GVGD) all suggest that this variant is likely to be tolerated. In summary, the available evidence is currently insufficient to determine the role of this variant in disease. Therefore, it has been classified as a Variant of Uncertain Significance.

NM_015443.4(KANSL1):c.2179G>A (p.Val727Ile)

Gene: KANSL1 (KAT8 regulatory NSL complex subunit 1). Cytogenetic location: 17q21.31.
Variant type: single nucleotide variant.
Coding change: c.2179G>A on transcript NM_015443.4 (MANE Select); coding-DNA position 2179, G replaced by A.
Protein change: p.Val727Ile; replaces valine 727 with isoleucine.
Molecular consequence: missense variant.
Genome position (GRCh38, 1-based): chr17:46,039,726, C>T on the plus strand (G>A on the coding strand, the complement: KANSL1 is on the minus strand). VCF-style: chr17-46039726-C-T. GRCh37 (hg19) VCF-style: chr17-44117092-C-T.
Other names: c.2077G>A, p.Val693Ile (NM_001405881.1, NM_001405859.1, NM_001405860.1 and 1 more transcripts); c.913G>A, p.Val305Ile (NM_001405882.1, NM_001405883.1, NM_001405884.1 and 1 more transcripts); c.2179G>A, p.Val727Ile (NM_001193465.2, NM_001193466.2, NM_001379198.1 and 14 more transcripts); short protein forms V305I, V693I, V727I.
Identifiers: ClinVar variation 1941861 (VCV001941861.5), dbSNP rs2510498565, ClinGen allele CA399982013.